The following is an entry in ClinVar:

NM_004172.5(SLC1A3):c.661A>G (p.Met221Val)

Genes: SLC1A3 (solute carrier family 1 member 3; plus strand), SLC1A3-AS1 (SLC1A3 antisense RNA 1; minus strand). Cytogenetic location: 5p13.2.
Variant type: single nucleotide variant.
Coding change: c.661A>G on transcript NM_004172.5 (MANE Select); coding-DNA position 661, A replaced by G.
Protein change: p.Met221Val; replaces methionine 221 with valine.
Molecular consequence: missense variant. On other transcripts: intron variant (1).
Genome position (GRCh38, 1-based): chr5:36,676,985, A>G. VCF-style: chr5-36676985-A-G. GRCh37 (hg19) VCF-style: chr5-36677087-A-G.
Other names: c.661A>G, p.Met221Val (NM_001166695.3); c.523A>G, p.Met175Val (NM_001289939.2); c.525-2642A>G (NM_001289940.2); short protein forms M175V, M221V.
Identifiers: ClinVar variation 3908038 (VCV003908038.1).

ClinVar aggregate classification (germline): Uncertain significance (1 of 4 stars; one submission).

Submission:

GeneDx
Classification: Uncertain significance. Last evaluated: 2024-12-31. Review status: criteria provided, single submitter. Criteria: GeneDx Variant Classification Process June 2021. Collection method: clinical testing. Allele origin: germline. Affected: yes.
Comment: Not observed at significant frequency in large population cohorts (gnomAD); In silico analysis indicates that this missense variant does not alter protein structure/function; Has not been previously published as pathogenic or benign to our knowledge